The following is an entry in ClinVar:

ClinVar aggregate classification (germline): Uncertain significance. Review status: criteria provided, multiple submitters, no conflicts (2 of 4 stars). 2 submissions from 2 submitters: Uncertain significance (2). Last evaluated 2025-12-20.

Conditions:
Scalp-ear-nipple syndrome (SENS). Also called: FINLAY-MARKS SYNDROME; SEN SYNDROME; Hereditary syndrome of lumpy scalp, odd ears and rudimentary nipples. Identifiers: Orphanet 2036, MedGen C1867020, MONDO:0008404, OMIM 181270.

gnomAD v4.1: 4 of 1,614,014 alleles (0.00025%); highest among the groups gnomAD compares: African/African-American, 0.0013%; no homozygotes.

Submissions (2):

Labcorp Genetics (formerly Invitae), Labcorp
Classification: Uncertain significance. Last evaluated: 2025-12-20. Review status: criteria provided, single submitter. Criteria: Invitae Variant Classification Sherloc (09022015). Collection method: clinical testing. Allele origin: germline.
Comment: This sequence change replaces aspartic acid, which is acidic and polar, with asparagine, which is neutral and polar, at codon 130 of the KCTD1 protein (p.Asp130Asn). This variant is present in population databases (rs775892525, gnomAD 0.002%). This variant has not been reported in the literature in individuals affected with KCTD1-related conditions. ClinVar contains an entry for this variant (Variation ID: 3583223). Invitae Evidence Modeling of protein sequence and biophysical properties (such as structural, functional, and spatial information, amino acid conservation, physicochemical variation, residue mobility, and thermodynamic stability) indicates that this missense variant is not expected to disrupt KCTD1 protein function with a negative predictive value of 80%. In summary, the available evidence is currently insufficient to determine the role of this variant in disease. Therefore, it has been classified as a Variant of Uncertain Significance.

Fulgent Genetics
Classification: Uncertain significance for Scalp-ear-nipple syndrome. Last evaluated: 2024-01-02. Review status: criteria provided, single submitter. Criteria: ACMG Guidelines, 2015. Collection method: clinical testing. Allele origin: germline.

NM_001142730.3(KCTD1):c.2212G>A (p.Asp738Asn)

Gene: KCTD1 (potassium channel tetramerization domain containing 1; minus strand). Cytogenetic location: 18q11.2.
Variant type: single nucleotide variant.
Coding change: c.2212G>A on transcript NM_001142730.3 (MANE Select); coding-DNA position 2212, G replaced by A.
Protein change: p.Asp738Asn; replaces aspartic acid 738 with asparagine.
Molecular consequence: missense variant.
Genome position (GRCh38, 1-based): chr18:26,459,847, C>T on the plus strand (G>A on the coding strand, the complement: KCTD1 is on the minus strand). VCF-style: chr18-26459847-C-T. GRCh37 (hg19) VCF-style: chr18-24039811-C-T.
Other names: c.388G>A, p.Asp130Asn (NM_001136205.2, NM_001258221.2, NM_001351443.1 and 1 more transcripts); c.412G>A, p.Asp138Asn (NM_001258222.3); c.388G>A (NM_001258221.1); short protein forms D738N, D138N, D130N.
Identifiers: ClinVar variation 3583223 (VCV003583223.2).